The following is an entry in ClinVar:

ClinVar aggregate classification (germline): Benign. Review status: criteria provided, multiple submitters, no conflicts (2 of 4 stars). 4 submissions from 4 submitters: Benign (3). 1 of the submissions does not count toward it. Last evaluated 2018-06-14.

Conditions:
LPIN1-related disorder. Also called: LPIN1-related condition.

Allele frequency attached by ClinVar (database versions not stated): 1000 Genomes Project 0.15735; gnomAD 0.17664 and 0.18104; 1000 Genomes Project 30x 0.15443; TOPMed 0.17184; ExAC 0.24758.
gnomAD v4.1: 329,362 of 1,505,294 alleles (22%); highest among the groups gnomAD compares: Admixed American, 27%; 38,818 homozygotes.

Submissions (4):

GeneDx
Classification: Benign. Last evaluated: 2018-06-14. Review status: criteria provided, single submitter. Criteria: GeneDx Variant Classification (06012015). Collection method: clinical testing. Allele origin: germline. Affected: yes.
Comment: This variant is considered likely benign or benign based on one or more of the following criteria: it is a conservative change, it occurs at a poorly conserved position in the protein, it is predicted to be benign by multiple in silico algorithms, and/or has population frequency not consistent with disease.

Laboratory for Molecular Medicine, Mass General Brigham Personalized Medicine
Classification: Benign. Last evaluated: 2016-03-28. Review status: criteria provided, single submitter. Criteria: LMM Criteria. Collection method: clinical testing. Allele origin: germline.
Comment: Variant identified in a genome or exome case(s) and assessed due to predicted null impact of the variant or pathogenic assertions in the literature or databases. Disclaimer: This variant has not undergone full assessment. The following are preliminary notes: Frequency

Breakthrough Genomics
Classification: Benign. Review status: criteria provided, single submitter. Criteria: ACMG Guidelines, 2015. Collection method: not provided. Allele origin: germline. Inheritance: Autosomal recessive inheritance. Affected: yes.

PreventionGenetics, part of Exact Sciences
Classification: Benign for LPIN1-related condition. Last evaluated: 2020-04-02. Review status: no assertion criteria provided. Collection method: clinical testing. Allele origin: germline. Not counted in ClinVar's aggregate classification.
Comment: This variant is classified as benign based on ACMG/AMP sequence variant interpretation guidelines (Richards et al. 2015 PMID: 25741868, with internal and published modifications).

NM_001261428.3(LPIN1):c.113G>A (p.Arg38Gln)

Gene: LPIN1 (lipin 1; plus strand). Cytogenetic location: 2p25.1.
Variant type: single nucleotide variant.
Coding change: c.113G>A on transcript NM_001261428.3; coding-DNA position 113, G replaced by A.
Protein change: p.Arg38Gln; replaces arginine 38 with glutamine.
Molecular consequence: missense variant. On other transcripts: intron variant (1).
Genome position (GRCh38, 1-based): chr2:11,713,787, G>A. VCF-style: chr2-11713787-G-A. GRCh37 (hg19) VCF-style: chr2-11853913-G-A.
Other names: c.113G>A, p.Arg38Gln (NM_001349208.2); c.81+36059G>A (NM_001349207.2); short protein forms R38Q.
Identifiers: ClinVar variation 403045 (VCV000403045.36), dbSNP rs4614906, ClinGen allele CA1533295.